The following is an entry in ClinVar:

ClinVar aggregate classification (germline): Uncertain significance (1 of 4 stars; one submission).

Allele frequency attached by ClinVar (database versions not stated): gnomAD exomes 0.00001; TOPMed 0.00001.
gnomAD v4.1: 6 of 1,614,208 alleles (0.00037%); highest among the groups gnomAD compares: Non-Finnish European, 0.00051%; no homozygotes.

Submission:

Labcorp Genetics (formerly Invitae), Labcorp
Classification: Uncertain significance. Last evaluated: 2020-03-25. Review status: criteria provided, single submitter. Criteria: Invitae Variant Classification Sherloc (09022015). Collection method: clinical testing. Allele origin: germline.
Comment: Algorithms developed to predict the effect of missense changes on protein structure and function are either unavailable or do not agree on the potential impact of this missense change (SIFT: "Not Available"; PolyPhen-2: "Probably Damaging"; Align-GVGD: "Not Available"). In summary, the available evidence is currently insufficient to determine the role of this variant in disease. Therefore, it has been classified as a Variant of Uncertain Significance. This sequence change replaces glutamic acid with lysine at codon 1398 of the CEP250 protein (p.Glu1398Lys). The glutamic acid residue is moderately conserved and there is a small physicochemical difference between glutamic acid and lysine. This variant is not present in population databases (ExAC no frequency). This variant has not been reported in the literature in individuals with CEP250-related conditions.

NM_007186.6(CEP250):c.4192G>A (p.Glu1398Lys)

Gene: CEP250 (centrosomal protein 250; plus strand). Cytogenetic location: 20q11.22.
Variant type: single nucleotide variant.
Coding change: c.4192G>A on transcript NM_007186.6 (MANE Select); coding-DNA position 4192, G replaced by A.
Protein change: p.Glu1398Lys; replaces glutamic acid 1398 with lysine.
Molecular consequence: missense variant.
Genome position (GRCh38, 1-based): chr20:35,502,561, G>A. VCF-style: chr20-35502561-G-A. GRCh37 (hg19) VCF-style: chr20-34090389-G-A.
Other names: c.2296G>A, p.Glu766Lys (NM_001318219.1); short protein forms E1398K, E766K.
Identifiers: ClinVar variation 1017379 (VCV001017379.7), dbSNP rs1462991376, ClinGen allele CA408747616.